The following is an entry in ClinVar:

ClinVar aggregate classification (germline): Uncertain significance (1 of 4 stars; one submission).

Conditions:
Inborn genetic diseases. Identifiers: MedGen C0950123, MeSH D030342.

Submission:

Ambry Genetics
Classification: Uncertain significance for Inborn genetic diseases. Last evaluated: 2021-02-08. Review status: criteria provided, single submitter. Criteria: Ambry Variant Classification Scheme 2023. Collection method: clinical testing. Allele origin: germline.
Comment: The p.A5483V variant (also known as c.16448C>T), located in coding exon 94 of the DST gene, results from a C to T substitution at nucleotide position 16448. The alanine at codon 5483 is replaced by valine, an amino acid with similar properties. This amino acid position is highly conserved in available vertebrate species. In addition, the in silico prediction for this alteration is inconclusive. Since supporting evidence is limited at this time, the clinical significance of this alteration remains unclear.

NM_001374736.1(DST):c.22877C>T (p.Ala7626Val)

Gene: DST (dystonin; minus strand). Cytogenetic location: 6p12.1.
Variant type: single nucleotide variant.
Coding change: c.22877C>T on transcript NM_001374736.1 (MANE Select); coding-DNA position 22877, C replaced by T.
Protein change: p.Ala7626Val; replaces alanine 7626 with valine.
Molecular consequence: missense variant.
Genome position (GRCh38, 1-based): chr6:56,463,647, G>A on the plus strand (C>T on the coding strand, the complement: DST is on the minus strand). VCF-style: chr6-56463647-G-A. GRCh37 (hg19) VCF-style: chr6-56328445-G-A.
Other names: c.16448C>T, p.Ala5483Val (NM_001144769.5); c.16034C>T, p.Ala5345Val (NM_001144770.2); c.22805C>T, p.Ala7602Val (NM_001374722.1); c.21917C>T, p.Ala7306Val (NM_001374729.1); c.15659C>T, p.Ala5220Val (NM_001374730.1); c.22832C>T, p.Ala7611Val (NM_001374734.1); c.15896C>T, p.Ala5299Val (NM_001386100.1); c.14936C>T, p.Ala4979Val (NM_015548.5); and 1 more; short protein forms A5483V, A5305V, A7306V, A4979V, A5345V, A7602V, A7611V, A7626V.
Identifiers: ClinVar variation 1777098 (VCV001777098.2), dbSNP rs745750653, ClinGen allele CA364504877.